The following is an entry in ClinVar:

ClinVar aggregate classification (germline): Uncertain significance (1 of 4 stars; one submission).

Conditions:
Inborn genetic diseases. Identifiers: MedGen C0950123, MeSH D030342.

Submission:

Ambry Genetics
Classification: Uncertain significance for Inborn genetic diseases. Last evaluated: 2025-10-28. Review status: criteria provided, single submitter. Criteria: Ambry Variant Classification Scheme 2023. Collection method: clinical testing. Allele origin: germline.
Comment: The p.D226H variant (also known as c.676G>C), located in coding exon 5 of the MECOM gene, results from a G to C substitution at nucleotide position 676. The aspartic acid at codon 226 is replaced by histidine, an amino acid with similar properties. This amino acid position is conserved. In addition, the in silico prediction for this alteration is inconclusive. Based on the available evidence, the clinical significance of this variant remains unclear.

NM_004991.4(MECOM):c.676G>C (p.Asp226His)

Gene: MECOM (MDS1 and EVI1 complex locus; minus strand). Cytogenetic location: 3q26.2.
Variant type: single nucleotide variant.
Coding change: c.676G>C on transcript NM_004991.4 (MANE Select); coding-DNA position 676, G replaced by C.
Protein change: p.Asp226His; replaces aspartic acid 226 with histidine.
Molecular consequence: missense variant.
Genome position (GRCh38, 1-based): chr3:169,127,998, C>G on the plus strand (G>C on the coding strand, the complement: MECOM is on the minus strand). VCF-style: chr3-169127998-C-G. GRCh37 (hg19) VCF-style: chr3-168845786-C-G.
Other names: c.112G>C, p.Asp38His (NM_001105078.4, NM_001163999.2, NM_001164000.2 and 9 more transcripts); c.676G>C, p.Asp226His (NM_001366466.2, NM_001366473.2); c.304G>C, p.Asp102His (NM_001105077.4); short protein forms D226H, D38H, D102H.
Identifiers: ClinVar variation 4624672 (VCV004624672.1).